The following is an entry in ClinVar:

NM_001003787.4(STRADA):c.1009G>A (p.Gly337Ser)

Gene: STRADA (STE20 related adaptor alpha; minus strand). Cytogenetic location: 17q23.3.
Variant type: single nucleotide variant.
Coding change: c.1009G>A on transcript NM_001003787.4 (MANE Select); coding-DNA position 1009, G replaced by A.
Protein change: p.Gly337Ser; replaces glycine 337 with serine.
Molecular consequence: missense variant. On other transcripts: non-coding transcript variant (1).
Genome position (GRCh38, 1-based): chr17:63,704,432, C>T on the plus strand (G>A on the coding strand, the complement: STRADA is on the minus strand). VCF-style: chr17-63704432-C-T. GRCh37 (hg19) VCF-style: chr17-61781792-C-T.
Other names: c.898G>A, p.Gly300Ser (NM_001003786.3, NM_001363789.1, NM_153335.6); c.835G>A, p.Gly279Ser (NM_001003788.3, NM_001363791.1); c.922G>A, p.Gly308Ser (NM_001165969.2, NM_001363787.1); c.877G>A, p.Gly293Ser (NM_001165970.2); c.985G>A, p.Gly329Ser (NM_001363786.1); c.1009G>A, p.Gly337Ser (NM_001363788.1); c.835G>A, p.Asp279Asn (NM_001363790.1); short protein forms G279S, D279N, G293S, G308S, G329S, G300S, G337S.
Identifiers: ClinVar variation 972368 (VCV000972368.9), dbSNP rs772509390, ClinGen allele CA400587484.

ClinVar aggregate classification (germline): Uncertain significance (1 of 4 stars; one submission).

Conditions:
Polyhydramnios, megalencephaly, and symptomatic epilepsy (PMSE). Also called: PMSE SYNDROME. Identifiers: Orphanet 500533, MedGen C1970203, MONDO:0012611, OMIM 611087.

Allele frequency attached by ClinVar (database versions not stated): TOPMed 0.00001.
gnomAD v4.1: 10 of 1,611,598 alleles (0.00062%); highest among the groups gnomAD compares: African/African-American, 0.0013%; no homozygotes.

Submission:

Labcorp Genetics (formerly Invitae), Labcorp
Classification: Uncertain significance for Polyhydramnios, megalencephaly, and symptomatic epilepsy. Last evaluated: 2019-11-08. Review status: criteria provided, single submitter. Criteria: Invitae Variant Classification Sherloc (09022015). Collection method: clinical testing. Allele origin: germline.
Comment: In summary, the available evidence is currently insufficient to determine the role of this variant in disease. Therefore, it has been classified as a Variant of Uncertain Significance. Algorithms developed to predict the effect of sequence changes on RNA splicing suggest that this variant may create or strengthen a splice site, but this prediction has not been confirmed by published transcriptional studies. Algorithms developed to predict the effect of missense changes on protein structure and function are either unavailable or do not agree on the potential impact of this missense change (SIFT: "Tolerated"; PolyPhen-2: "Probably Damaging"; Align-GVGD: "Class C0"). This variant has not been reported in the literature in individuals with STRADA-related conditions. This variant is not present in population databases (ExAC no frequency). This sequence change replaces glycine with serine at codon 337 of the STRADA protein (p.Gly337Ser). The glycine residue is moderately conserved and there is a small physicochemical difference between glycine and serine.